The following is an entry in ClinVar:

NM_001374828.1(ARID1B):c.6724G>A (p.Val2242Ile)

Gene: ARID1B (AT-rich interaction domain 1B; plus strand). Cytogenetic location: 6q25.3.
Variant type: single nucleotide variant.
Coding change: c.6724G>A on transcript NM_001374828.1 (MANE Select); coding-DNA position 6724, G replaced by A.
Protein change: p.Val2242Ile; replaces valine 2242 with isoleucine.
Molecular consequence: missense variant.
Genome position (GRCh38, 1-based): chr6:157,207,496, G>A. VCF-style: chr6-157207496-G-A. GRCh37 (hg19) VCF-style: chr6-157528630-G-A.
Other names: c.4225G>A, p.Val1409Ile (NM_001363725.2); c.6604G>A, p.Val2202Ile (NM_001371656.1, NM_001374820.1); c.6565G>A, p.Val2189Ile (NM_017519.3); short protein forms V1409I, V2189I, V2202I, V2242I.
Identifiers: ClinVar variation 1335653 (VCV001335653.38), dbSNP rs771871664, ClinGen allele CA4068054.
Genomic context (GRCh38, chr6:157,207,496, plus strand): 5'-ATCTTGGCCACTCCTCCATTTAGTCGTCAGGAGAAATTCTATGCTACATTAGTTAGGTAC[G>A]TTGGGGATCGCAAAAACCCAGTCTGTCGAGAAATGTCCATGGCGCTTTTATCGAACCTTG-3'
Protein context (NP_001361757.1, residues 2232-2252): EKFYATLVRY[Val2242Ile]GDRKNPVCRE

ClinVar aggregate classification (germline): Conflicting classifications of pathogenicity. Review status: criteria provided, conflicting classifications (1 of 4 stars). 3 submissions from 3 submitters: Uncertain significance (1); Likely benign (2). Last evaluated 2025-05-30.

Allele frequency attached by ClinVar (database versions not stated): ExAC 0.00002; gnomAD 0.00002; TOPMed 0.00002; gnomAD exomes 0.00003.
gnomAD v4.1: 70 of 1,614,024 alleles (0.0043%); highest among the groups gnomAD compares: Non-Finnish European, 0.0047%; no homozygotes.

Submissions (3):

Labcorp Genetics (formerly Invitae), Labcorp
Classification: Uncertain significance. Last evaluated: 2025-05-30. Review status: criteria provided, single submitter. Criteria: Invitae Variant Classification Sherloc (09022015). Collection method: clinical testing. Allele origin: germline.
Comment: This sequence change replaces valine, which is neutral and non-polar, with isoleucine, which is neutral and non-polar, at codon 2119 of the ARID1B protein (p.Val2119Ile). This variant is present in population databases (rs771871664, gnomAD 0.005%). This missense change has been observed in individual(s) with autism spectrum disorder (PMID: 28714951, 31981491, 35982159, 35982160, 37500730). This variant is also known as 6:157207496:G:A, V2106I. ClinVar contains an entry for this variant (Variation ID: 1335653). Invitae Evidence Modeling of protein sequence and biophysical properties (such as structural, functional, and spatial information, amino acid conservation, physicochemical variation, residue mobility, and thermodynamic stability) has been performed for this missense variant. However, the output from this modeling did not meet the statistical confidence thresholds required to predict the impact of this variant on ARID1B protein function. Experimental studies have shown that this missense change does not substantially affect ARID1B function (PMID: 38347147). In summary, the available evidence is currently insufficient to determine the role of this variant in disease. Therefore, it has been classified as a Variant of Uncertain Significance.

CeGaT Center for Human Genetics Tuebingen
Classification: Likely benign. Last evaluated: 2024-04-01. Review status: criteria provided, single submitter. Criteria: CeGaT Center For Human Genetics Tuebingen Variant Classification Criteria Version 2. Collection method: clinical testing. Allele origin: germline. Affected: yes. Observed: 2 variant alleles.
Comment: ARID1B: BP4

Blueprint Genetics
Classification: Likely benign. Last evaluated: 2023-11-13. Review status: criteria provided, single submitter. Criteria: ACMG Guidelines, 2015. Collection method: clinical testing. Allele origin: germline.

Literature cited by the submitters: PubMed 28714951 (cited by Labcorp Genetics (formerly Invitae), Labcorp); PubMed 31981491 (cited by Labcorp Genetics (formerly Invitae), Labcorp); PubMed 35982159 (cited by Labcorp Genetics (formerly Invitae), Labcorp); PubMed 35982160 (cited by Labcorp Genetics (formerly Invitae), Labcorp); PubMed 37500730 (cited by Labcorp Genetics (formerly Invitae), Labcorp); PubMed 38347147 (cited by Labcorp Genetics (formerly Invitae), Labcorp).